The following is an entry in ClinVar:

NM_004646.4(NPHS1):c.3167-2A>C

Gene: NPHS1 (NPHS1 adhesion molecule, nephrin; minus strand). Cytogenetic location: 19q13.12.
Variant type: single nucleotide variant.
Coding change: c.3167-2A>C on transcript NM_004646.4 (MANE Select); the canonical splice acceptor site of the intron before coding-DNA position 3167, A replaced by C.
Molecular consequence: splice acceptor variant.
Genome position (GRCh38, 1-based): chr19:35,831,764, T>G on the plus strand (A>C on the coding strand, the complement: NPHS1 is on the minus strand). VCF-style: chr19-35831764-T-G. GRCh37 (hg19) VCF-style: chr19-36322666-T-G.
Identifiers: ClinVar variation 4815386 (VCV004815386.1).

ClinVar aggregate classification (germline): Likely pathogenic (1 of 4 stars; one submission).

Conditions:
Finnish congenital nephrotic syndrome (NPHS1). Also called: NEPHROTIC SYNDROME, TYPE 1. Identifiers: Orphanet 839, MedGen C0403399, MONDO:0009732, OMIM 256300.

Submission:

Natera, Inc.
Classification: Likely pathogenic for Finnish congenital nephrotic syndrome. Last evaluated: 2025-10-15. Review status: criteria provided, single submitter. Criteria: Natera Variant Classification Schema (03/2026). Collection method: clinical testing. Allele origin: germline.
Comment: The c.3167-2A>C variant in NPHS1 is a canonical splice acceptor site variant predicted to affect pre-mRNA splicing, which may result in an abnormal transcript and altered protein product. This variant is expected to result in nonsense mediated decay, truncation, or a dysfunctional protein product. This variant is rare in the general population with a frequency below the threshold expected for the associated phenotype(s). Given the available evidence, this variant is classified as Likely Pathogenic.